The following is an entry in ClinVar:

ClinVar aggregate classification (germline): Uncertain significance (1 of 4 stars; one submission).

Conditions:
Hypogonadotropic hypogonadism 1 with or without anosmia (HH1). Also called: KAL1-Related GnRH Deficiency (Kallmann Syndrome 1; Kallmann Syndrome, X-Linked); Hypogonadotropic hypogonadism 1 with or without anosmia (Kallmann syndrome 1); Kallmann syndrome, type 1, X-linked; DYSPLASIA OLFACTOGENITALIS OF DE MORSIER; HYPOGONADOTROPIC HYPOGONADISM 1 WITH ANOSMIA; HYPOGONADOTROPIC HYPOGONADISM AND ANOSMIA. Identifiers: Orphanet 478, MedGen C1563719, MONDO:0010635, OMIM 308700. Disease mechanism: loss of function.

Submissions (2):

Juno Genomics, Hangzhou Juno Genomics, Inc
Classification: Uncertain significance for Hypogonadotropic hypogonadism 1 with or without anosmia. Review status: criteria provided, single submitter. Criteria: ACMG Guidelines, 2015. Collection method: clinical testing. Allele origin: germline.
Comment: Absent from controls (or at extremely low frequency if recessive) in Genome Aggregation Database.;Null variant in a gene where loss of function (LOF) is a known mechanism of disease.

Dr. Peter K. Rogan Lab, Western University
No classification provided (evidence only). Condition: Thyroid cancer, nonmedullary, 1. Review status: no classification provided. Collection method: in vitro. Allele origin: not applicable. Functional consequence: retained intron. Not counted in ClinVar's aggregate classification.

NM_000216.4(ANOS1):c.2032G>T (p.Glu678Ter)

Gene: ANOS1 (anosmin 1; minus strand). Cytogenetic location: Xp22.31.
Variant type: single nucleotide variant.
Coding change: c.2032G>T on transcript NM_000216.4 (MANE Select); coding-DNA position 2032, G replaced by T.
Protein change: p.Glu678Ter; replaces glutamic acid 678 with a stop codon.
Molecular consequence: nonsense.
Genome position (GRCh38, 1-based): chrX:8,533,006, C>A on the plus strand (G>T on the coding strand, the complement: ANOS1 is on the minus strand). VCF-style: chrX-8533006-C-A. GRCh37 (hg19) VCF-style: chrX-8501047-C-A.
Other names: NC_000023.10:g.8501047C>A; short protein forms E678*.
Identifiers: ClinVar variation 4499845 (VCV004499845.3).
Genomic context (GRCh38, chrX:8,533,006, plus strand): 5'-TCAACAAGCTTACACATCTGTGCAATTTCACAAAATCTTTTTGAACAGTTTAGTATCTTT[C>A]TGGAGAAGGCTTGTAATGATGTGGATGACGATGCTTAAGATGAGATCCTAAAAAGTGACA-3'